The following is an entry in ClinVar:

ClinVar aggregate classification (germline): Uncertain significance (1 of 4 stars; one submission).

Conditions:
Hyperphosphatasia with impaired intellectual development syndrome 2. Also called: Hyperphosphatasia with intellectual disability syndrome 2; GLYCOSYLPHOSPHATIDYLINOSITOL BIOSYNTHESIS DEFECT 6. Identifiers: Orphanet 247262, MedGen C3553637, MONDO:0013882, OMIM 614749.

Allele frequency attached by ClinVar (database versions not stated): gnomAD exomes below 0.00001.
gnomAD v4.1: 1 of 1,614,230 alleles (0.000062%); highest among the groups gnomAD compares: Non-Finnish European, 0.000085%; no homozygotes.

Submission:

Labcorp Genetics (formerly Invitae), Labcorp
Classification: Uncertain significance for Hyperphosphatasia with impaired intellectual development syndrome 2. Last evaluated: 2020-01-28. Review status: criteria provided, single submitter. Criteria: Invitae Variant Classification Sherloc (09022015). Collection method: clinical testing. Allele origin: germline.
Comment: In summary, the available evidence is currently insufficient to determine the role of this variant in disease. Therefore, it has been classified as a Variant of Uncertain Significance. Algorithms developed to predict the effect of missense changes on protein structure and function are either unavailable or do not agree on the potential impact of this missense change (SIFT: "Deleterious"; PolyPhen-2: "Possibly Damaging"; Align-GVGD: "Class C0"). This variant has not been reported in the literature in individuals with PIGO-related conditions. This variant is not present in population databases (ExAC no frequency). This sequence change replaces leucine with proline at codon 584 of the PIGO protein (p.Leu584Pro). The leucine residue is moderately conserved and there is a moderate physicochemical difference between leucine and proline.

NM_032634.4(PIGO):c.1751T>C (p.Leu584Pro)

Gene: PIGO (phosphatidylinositol glycan anchor biosynthesis class O; minus strand). Cytogenetic location: 9p13.3.
Variant type: single nucleotide variant.
Coding change: c.1751T>C on transcript NM_032634.4 (MANE Select); coding-DNA position 1751, T replaced by C.
Protein change: p.Leu584Pro; replaces leucine 584 with proline.
Molecular consequence: missense variant. On other transcripts: intron variant (2).
Genome position (GRCh38, 1-based): chr9:35,092,136, A>G on the plus strand (T>C on the coding strand, the complement: PIGO is on the minus strand). VCF-style: chr9-35092136-A-G. GRCh37 (hg19) VCF-style: chr9-35092133-A-G.
Other names: c.1344+407T>C (NM_152850.4, NM_001201484.2); short protein forms L584P.
Identifiers: ClinVar variation 946051 (VCV000946051.9), dbSNP rs1829452882, ClinGen allele CA373321492.